The following is an entry in ClinVar:

NM_004539.4(NARS1):c.1403A>T (p.Asn468Ile)

Gene: NARS1 (asparaginyl-tRNA synthetase 1; minus strand). Cytogenetic location: 18q21.31.
Variant type: single nucleotide variant.
Coding change: c.1403A>T on transcript NM_004539.4 (MANE Select); coding-DNA position 1403, A replaced by T.
Protein change: p.Asn468Ile; replaces asparagine 468 with isoleucine.
Molecular consequence: missense variant.
Genome position (GRCh38, 1-based): chr18:57,602,467, T>A on the plus strand (A>T on the coding strand, the complement: NARS1 is on the minus strand). VCF-style: chr18-57602467-T-A. GRCh37 (hg19) VCF-style: chr18-55269699-T-A.
Other names: short protein forms N468I.
Identifiers: ClinVar variation 4855256 (VCV004855256.1).
Genomic context (GRCh38, chr18:57,602,467, plus strand): 5'-CCTGCCAGTATTTCTTCACTATCAAAGATACGCATTGAGCCTCCCACAATCTCACCAACA[T>A]TGGGCATCAACACGTCGACCTTTAAATATAAGTGAAAGAAGATACACAATTACTATCAAG-3'
Protein context (NP_004530.1, residues 458-478): LTESVDVLMP[Asn468Ile]VGEIVGGSMR

ClinVar aggregate classification (germline): Uncertain significance (1 of 4 stars; one submission).

Conditions:
Neurodevelopmental disorder with microcephaly, impaired language, epilepsy, and gait abnormalities. Identifiers: MedGen C5436788, MONDO:0030837, OMIM 619092.

Submission:

3billion
Classification: Uncertain significance for Neurodevelopmental disorder with microcephaly, impaired language, epilepsy, and gait abnormalities. Last evaluated: 2025-09-04. Review status: criteria provided, single submitter. Criteria: ACMG Guidelines, 2015. Collection method: clinical testing. Allele origin: germline. Affected: yes.
Comment: The variant is not observed in the gnomAD v4.1.0 dataset. Predicted Consequence/Location: Missense variant In silico tool predictions suggest damaging effect of the variant on gene or gene product [REVEL: 0.73 (>=0.6, sensitivity 0.68 and specificity 0.92)]. Therefore, this variant is classified as VUS according to the recommendation of ACMG/AMP guideline.